The following is an entry in ClinVar:

NM_004086.3(COCH):c.*407C>T

Gene: COCH (cochlin; plus strand). Cytogenetic location: 14q12.
Variant type: single nucleotide variant.
Coding change: c.*407C>T on transcript NM_004086.3 (MANE Select); 407 bases downstream of the stop codon, C replaced by T.
Molecular consequence: 3 prime UTR variant.
Genome position (GRCh38, 1-based): chr14:30,890,198, C>T. VCF-style: chr14-30890198-C-T. GRCh37 (hg19) VCF-style: chr14-31359404-C-T.
Other names: c.*407C>T (NM_001135058.2, NM_001347720.2).
Identifiers: ClinVar variation 313011 (VCV000313011.5), dbSNP rs7152503, ClinGen allele CA10644074.

ClinVar aggregate classification (germline): Benign (1 of 4 stars; one submission).

Conditions:
Autosomal dominant nonsyndromic hearing loss 9. Identifiers: Orphanet 90635, MedGen C1832425, MONDO:0011058, OMIM 601369.

Allele frequency attached by ClinVar (database versions not stated): gnomAD exomes 0.00152; gnomAD 0.01968 and 0.02116; TOPMed 0.02221; 1000 Genomes Project 0.02256.
gnomAD v4.1: 4,298 of 990,266 alleles (0.43%); highest among the groups gnomAD compares: African/African-American, 6.9%; 133 homozygotes.

Submission:

Illumina Laboratory Services, Illumina
Classification: Benign for Autosomal dominant nonsyndromic hearing loss 9. Last evaluated: 2018-01-13. Review status: criteria provided, single submitter. Criteria: ICSL Variant Classification Criteria 13 December 2019. Collection method: clinical testing. Allele origin: germline.
Comment: This variant was observed in the ICSL laboratory as part of a predisposition screen in an ostensibly healthy population. It had not been previously curated by ICSL or reported in the Human Gene Mutation Database (HGMD: prior to June 1st, 2018), and was therefore a candidate for classification through an automated scoring system. Utilizing variant allele frequency, disease prevalence and penetrance estimates, and inheritance mode, an automated score was calculated to assess if this variant is too frequent to cause the disease. Based on the score and internal cut-off values, a variant classified as benign is not then subjected to further curation. The score for this variant resulted in a classification of benign for this disease.